The following is an entry in ClinVar:

ClinVar aggregate classification (germline): Pathogenic. Review status: criteria provided, multiple submitters, no conflicts (2 of 4 stars). 2 submissions from 2 submitters: Pathogenic (2). Last evaluated 2023-09-10.

Conditions:
Hereditary cancer-predisposing syndrome. Also called: Hereditary Cancer Syndrome; Hereditary neoplastic syndrome; Neoplastic Syndromes, Hereditary; Tumor predisposition. Identifiers: Orphanet 140162, MedGen C0027672, MeSH D009386, MONDO:0015356.
Hereditary breast ovarian cancer syndrome. Also called: Hereditary breast and ovarian cancer syndrome (HBOC); Breast and ovarian cancer; Hereditary breast and ovarian cancer syndrome; Hereditary breast and/or ovarian cancer syndrome; BRCA1- and BRCA2-Associated Hereditary Breast and Ovarian Cancer; Hereditary breast and ovarian cancer. Identifiers: Orphanet 145, MedGen C0677776, MeSH D061325, MONDO:0003582. Disease mechanism: loss of function.

Submissions (2):

Labcorp Genetics (formerly Invitae), Labcorp
Classification: Pathogenic for Hereditary breast ovarian cancer syndrome. Last evaluated: 2023-09-10. Review status: criteria provided, single submitter. Criteria: Invitae Variant Classification Sherloc (09022015). Collection method: clinical testing. Allele origin: germline.
Comment: This variant has not been reported in the literature in individuals affected with BRCA2-related conditions. ClinVar contains an entry for this variant (Variation ID: 1775284). For these reasons, this variant has been classified as Pathogenic. This variant is not present in population databases (gnomAD no frequency). This sequence change creates a premature translational stop signal (p.Ser521*) in the BRCA2 gene. It is expected to result in an absent or disrupted protein product. Loss-of-function variants in BRCA2 are known to be pathogenic (PMID: 20104584).

Ambry Genetics
Classification: Pathogenic for Hereditary cancer-predisposing syndrome. Last evaluated: 2018-05-03. Review status: criteria provided, single submitter. Criteria: Ambry Variant Classification Scheme 2023. Collection method: clinical testing. Allele origin: germline.
Comment: The p.S521* variant (also known as c.1562C>G), located in coding exon 9 of the BRCA2 gene, results from a C to G substitution at nucleotide position 1562. This changes the amino acid from a serine to a stop codon within coding exon 9. This alteration is expected to result in loss of function by premature protein truncation or nonsense-mediated mRNA decay. As such, this alteration is interpreted as a disease-causing mutation.

Literature cited by the submitters: PubMed 20104584 (cited by Labcorp Genetics (formerly Invitae), Labcorp).

NM_000059.4(BRCA2):c.1562C>G (p.Ser521Ter)

Gene: BRCA2 (BRCA2 DNA repair associated; plus strand). Cytogenetic location: 13q13.1.
Variant type: single nucleotide variant.
Coding change: c.1562C>G on transcript NM_000059.4 (MANE Select); coding-DNA position 1562, C replaced by G.
Protein change: p.Ser521Ter; replaces serine 521 with a stop codon.
Molecular consequence: nonsense.
Genome position (GRCh38, 1-based): chr13:32,333,040, C>G. VCF-style: chr13-32333040-C-G. GRCh37 (hg19) VCF-style: chr13-32907177-C-G.
Other names: c.1562C>G, p.Ser521Ter (NM_001406719.1, NM_001406720.1, NM_001406721.1); short protein forms S521*.
Identifiers: ClinVar variation 1775284 (VCV001775284.5), dbSNP rs2137472667, ClinGen allele CA387764706.